The following is an entry in ClinVar:

ClinVar aggregate classification (germline): Uncertain significance (1 of 4 stars; one submission).

Conditions:
Cortical dysplasia-focal epilepsy syndrome (PTHSL1). Also called: Pitt-Hopkins-like syndrome 1. Identifiers: Orphanet 163681, Orphanet 221150, MedGen C2750246, MONDO:0012400, OMIM 610042.

Allele frequency attached by ClinVar (database versions not stated): TOPMed 0.00001.

Submission:

Labcorp Genetics (formerly Invitae), Labcorp
Classification: Uncertain significance for Cortical dysplasia-focal epilepsy syndrome. Last evaluated: 2022-04-17. Review status: criteria provided, single submitter. Criteria: Invitae Variant Classification Sherloc (09022015). Collection method: clinical testing. Allele origin: germline.
Comment: In summary, the available evidence is currently insufficient to determine the role of this variant in disease. Therefore, it has been classified as a Variant of Uncertain Significance. Algorithms developed to predict the effect of missense changes on protein structure and function are either unavailable or do not agree on the potential impact of this missense change (SIFT: "Deleterious"; PolyPhen-2: "Probably Damaging"; Align-GVGD: "Class C0"). This variant has not been reported in the literature in individuals affected with CNTNAP2-related conditions. This variant is not present in population databases (gnomAD no frequency). This sequence change replaces aspartic acid, which is acidic and polar, with glutamic acid, which is acidic and polar, at codon 948 of the CNTNAP2 protein (p.Asp948Glu).

NM_014141.6(CNTNAP2):c.2844C>A (p.Asp948Glu)

Genes: CNTNAP2 (contactin associated protein 2; plus strand), LOC126860216 (BRD4-independent group 4 enhancer GRCh37_chr7:147868766-147869965; plus strand). Cytogenetic location: 7q35.
Variant type: single nucleotide variant.
Coding change: c.2844C>A on transcript NM_014141.6 (MANE Select); coding-DNA position 2844, C replaced by A.
Protein change: p.Asp948Glu; replaces aspartic acid 948 with glutamic acid.
Molecular consequence: missense variant.
Genome position (GRCh38, 1-based): chr7:148,172,312, C>A. VCF-style: chr7-148172312-C-A. GRCh37 (hg19) VCF-style: chr7-147869404-C-A.
Other names: short protein forms D948E.
Identifiers: ClinVar variation 2127204 (VCV002127204.4), dbSNP rs1207194215, ClinGen allele CA369928448.